The following is an entry in ClinVar:

NM_013266.4(CTNNA3):c.1761T>A (p.Asn587Lys)

Gene: CTNNA3 (catenin alpha 3; minus strand). Cytogenetic location: 10q21.3.
Variant type: single nucleotide variant.
Coding change: c.1761T>A on transcript NM_013266.4 (MANE Select); coding-DNA position 1761, T replaced by A.
Protein change: p.Asn587Lys; replaces asparagine 587 with lysine.
Molecular consequence: missense variant.
Genome position (GRCh38, 1-based): chr10:66,280,593, A>T on the plus strand (T>A on the coding strand, the complement: CTNNA3 is on the minus strand). VCF-style: chr10-66280593-A-T. GRCh37 (hg19) VCF-style: chr10-68040351-A-T.
Other names: c.1761T>A, p.Asn587Lys (NM_001127384.3); short protein forms N587K.
Identifiers: ClinVar variation 4235682 (VCV004235682.1).

ClinVar aggregate classification (germline): Uncertain significance (1 of 4 stars; one submission).

gnomAD v4.1: 2 of 1,607,742 alleles (0.00012%); no homozygotes.

Submission:

Ambry Genetics
Classification: Uncertain significance. Last evaluated: 2025-08-28. Review status: criteria provided, single submitter. Criteria: Ambry Variant Classification Scheme 2023. Collection method: clinical testing. Allele origin: germline.
Comment: The p.N587K variant (also known as c.1761T>A), located in coding exon 12 of the CTNNA3 gene, results from a T to A substitution at nucleotide position 1761. The asparagine at codon 587 is replaced by lysine, an amino acid with similar properties. This amino acid position is conserved. In addition, this alteration is predicted to be tolerated by in silico analysis. Based on the available evidence, the clinical significance of this variant remains unclear.